The following is an entry in ClinVar:

NM_004415.4(DSP):c.8302A>G (p.Ser2768Gly)

Gene: DSP (desmoplakin; plus strand). Cytogenetic location: 6p24.3.
Variant type: single nucleotide variant.
Coding change: c.8302A>G on transcript NM_004415.4 (MANE Select); coding-DNA position 8302, A replaced by G.
Protein change: p.Ser2768Gly; replaces serine 2768 with glycine.
Molecular consequence: missense variant.
Genome position (GRCh38, 1-based): chr6:7,585,564, A>G. VCF-style: chr6-7585564-A-G. GRCh37 (hg19) VCF-style: chr6-7585797-A-G.
Other names: c.6505A>G, p.Ser2169Gly (NM_001008844.3); c.6973A>G, p.Ser2325Gly (NM_001319034.2); short protein forms S2768G, S2169G, S2325G.
Identifiers: ClinVar variation 1762847 (VCV001762847.8), dbSNP rs942768771, ClinGen allele CA133977714.

ClinVar aggregate classification (germline): Conflicting classifications of pathogenicity. Review status: criteria provided, conflicting classifications (1 of 4 stars). 3 submissions from 3 submitters: Uncertain significance (2); Likely benign (1). Last evaluated 2025-08-25.

Conditions:
Cardiomyopathy (CMYO). Also called: Cardiomyopathies. Identifiers: Orphanet 167848, MedGen C0878544, MONDO:0004994, HP:0001638. Inheritance: Various modes of inheritance.
Cardiovascular phenotype. Identifiers: MedGen CN230736.
Arrhythmogenic cardiomyopathy with wooly hair and keratoderma. Also called: Dilated cardiomyopathy with woolly hair and keratoderma; Arrhythmogenic cardiomyopathy with woolly hair and keratoderma; PALMOPLANTAR KERATODERMA WITH LEFT VENTRICULAR CARDIOMYOPATHY AND WOOLLY HAIR; Carvajal syndrome. Identifiers: Orphanet 65282, MedGen C1854063, MONDO:0011581, OMIM 605676.
Arrhythmogenic right ventricular dysplasia 8 (ARVD8). Also called: Arrhythmogenic Right Ventricular Dysplasia/Cardiomyopathy 8; ARRHYTHMOGENIC RIGHT VENTRICULAR DYSPLASIA, FAMILIAL, 8; ARRHYTHMOGENIC RIGHT VENTRICULAR CARDIOMYOPATHY 8. Identifiers: MedGen C1843896, MONDO:0011831, OMIM 607450.

Allele frequency attached by ClinVar (database versions not stated): gnomAD exomes below 0.00001; TOPMed 0.00001; gnomAD 0.00002.
gnomAD v4.1: 4 of 1,614,098 alleles (0.00025%); highest among the groups gnomAD compares: African/African-American, 0.0053%; no homozygotes.

Submissions (3):

Color Diagnostics, LLC DBA Color Health
Classification: Uncertain significance for Cardiomyopathy. Last evaluated: 2025-08-25. Review status: criteria provided, single submitter. Criteria: ACMG Guidelines, 2015. Collection method: clinical testing. Allele origin: germline.
Comment: This missense variant replaces serine with glycine at codon 2768 of the DSP protein. Computational prediction suggests that this variant may not impact protein structure and function. To our knowledge, functional studies have not been reported for this variant. This variant has not been reported in individuals affected with DSP-related disorders in the literature. This variant has been identified in 2/282784 chromosomes in the general population by the Genome Aggregation Database (gnomAD). The available evidence is insufficient to determine the role of this variant in disease conclusively. Therefore, this variant is classified as a Variant of Uncertain Significance.

Labcorp Genetics (formerly Invitae), Labcorp
Classification: Likely benign for Arrhythmogenic cardiomyopathy with wooly hair and keratoderma; Arrhythmogenic right ventricular dysplasia 8. Last evaluated: 2023-08-14. Review status: criteria provided, single submitter. Criteria: Invitae Variant Classification Sherloc (09022015). Collection method: clinical testing. Allele origin: germline.

Ambry Genetics
Classification: Uncertain significance for Cardiovascular phenotype. Last evaluated: 2021-05-19. Review status: criteria provided, single submitter. Criteria: Ambry Variant Classification Scheme 2023. Collection method: clinical testing. Allele origin: germline.
Comment: The p.S2768G variant (also known as c.8302A>G), located in coding exon 24 of the DSP gene, results from an A to G substitution at nucleotide position 8302. The serine at codon 2768 is replaced by glycine, an amino acid with similar properties. This amino acid position is poorly conserved in available vertebrate species. In addition, this alteration is predicted to be tolerated by in silico analysis. Since supporting evidence is limited at this time, the clinical significance of this alteration remains unclear.